The following is an entry in ClinVar:

ClinVar aggregate classification (germline): Uncertain significance (1 of 4 stars; one submission).

Conditions:
Dilated cardiomyopathy 1KK (CMD1KK). Identifiers: Orphanet 154, Orphanet 75249, MedGen C3714995, MONDO:0014100, OMIM 615248.

Allele frequency attached by ClinVar (database versions not stated): ExAC 0.00001; gnomAD exomes 0.00001; TOPMed 0.00001.

Submission:

Labcorp Genetics (formerly Invitae), Labcorp
Classification: Uncertain significance for Dilated cardiomyopathy 1KK. Last evaluated: 2021-08-27. Review status: criteria provided, single submitter. Criteria: Invitae Variant Classification Sherloc (09022015). Collection method: clinical testing. Allele origin: germline.
Comment: This sequence change replaces methionine with threonine at codon 1301 of the MYPN protein (p.Met1301Thr). The methionine residue is weakly conserved and there is a moderate physicochemical difference between methionine and threonine. This variant is present in population databases (rs778106822, ExAC 0.006%). This variant has not been reported in the literature in individuals affected with MYPN-related conditions. Algorithms developed to predict the effect of missense changes on protein structure and function (SIFT, PolyPhen-2, Align-GVGD) all suggest that this variant is likely to be tolerated. In summary, the available evidence is currently insufficient to determine the role of this variant in disease. Therefore, it has been classified as a Variant of Uncertain Significance.

NM_032578.4(MYPN):c.3902T>C (p.Met1301Thr)

Gene: MYPN (myopalladin; plus strand). Cytogenetic location: 10q21.3.
Variant type: single nucleotide variant.
Coding change: c.3902T>C on transcript NM_032578.4 (MANE Select); coding-DNA position 3902, T replaced by C.
Protein change: p.Met1301Thr; replaces methionine 1301 with threonine.
Molecular consequence: missense variant. On other transcripts: non-coding transcript variant (2).
Genome position (GRCh38, 1-based): chr10:68,210,394, T>C. VCF-style: chr10-68210394-T-C. GRCh37 (hg19) VCF-style: chr10-69970151-T-C.
Other names: c.3902T>C, p.Met1301Thr (NM_001256267.2); c.3020T>C, p.Met1007Thr (NM_001256268.2); short protein forms M1007T, M1301T.
Identifiers: ClinVar variation 956935 (VCV000956935.7), dbSNP rs778106822, ClinGen allele CA5523186.
Genomic context (GRCh38, chr10:68,210,394, plus strand): 5'-GCAGTCGCTACGGATCTCTCACCAGTAAAGGACTTGACATATTTTCTGCCTTTTCCTCCA[T>C]GGAAAGCACGATGGTGTATTCATGCTCTTCTCGGAGTGTAGTGGAGAGTGATGAACTTTA-3'
Protein context (NP_115967.2, residues 1291-1311): GLDIFSAFSS[Met1301Thr]ESTMVYSCSS